The following is an entry in ClinVar:

NM_021831.6(AGBL5):c.1928G>A (p.Ser643Asn)

Gene: AGBL5 (AGBL carboxypeptidase 5; plus strand). Cytogenetic location: 2p23.3.
Variant type: single nucleotide variant.
Coding change: c.1928G>A on transcript NM_021831.6 (MANE Select); coding-DNA position 1928, G replaced by A.
Protein change: p.Ser643Asn; replaces serine 643 with asparagine.
Molecular consequence: missense variant. On other transcripts: non-coding transcript variant (2).
Genome position (GRCh38, 1-based): chr2:27,059,243, G>A. VCF-style: chr2-27059243-G-A. GRCh37 (hg19) VCF-style: chr2-27282111-G-A.
Other names: c.1928G>A, p.Ser643Asn (NM_001035507.3); short protein forms S643N.
Identifiers: ClinVar variation 1471952 (VCV001471952.6), dbSNP rs777122413, ClinGen allele CA346187485.

ClinVar aggregate classification (germline): Uncertain significance (1 of 4 stars; one submission).

Submission:

Labcorp Genetics (formerly Invitae), Labcorp
Classification: Uncertain significance. Last evaluated: 2022-09-27. Review status: criteria provided, single submitter. Criteria: Invitae Variant Classification Sherloc (09022015). Collection method: clinical testing. Allele origin: germline.
Comment: This variant is not present in population databases (gnomAD no frequency). This variant has not been reported in the literature in individuals affected with AGBL5-related conditions. This sequence change replaces serine, which is neutral and polar, with asparagine, which is neutral and polar, at codon 643 of the AGBL5 protein (p.Ser643Asn). Algorithms developed to predict the effect of missense changes on protein structure and function are either unavailable or do not agree on the potential impact of this missense change (SIFT: "Deleterious"; PolyPhen-2: "Benign"; Align-GVGD: "Class C0"). In summary, the available evidence is currently insufficient to determine the role of this variant in disease. Therefore, it has been classified as a Variant of Uncertain Significance. ClinVar contains an entry for this variant (Variation ID: 1471952).